The following is an entry in ClinVar:

ClinVar aggregate classification (germline): Uncertain significance (1 of 4 stars; one submission).

Submission:

Ambry Genetics
Classification: Uncertain significance. Last evaluated: 2024-06-21. Review status: criteria provided, single submitter. Criteria: Ambry Variant Classification Scheme 2023. Collection method: clinical testing. Allele origin: germline.
Comment: The p.A1004G variant (also known as c.3011C>G), located in coding exon 27 of the KIF1B gene, results from a C to G substitution at nucleotide position 3011. The alanine at codon 1004 is replaced by glycine, an amino acid with similar properties. This amino acid position is conserved. In addition, this alteration is predicted to be tolerated by in silico analysis. Based on the available evidence, the clinical significance of this variant remains unclear.

NM_001365951.3(KIF1B):c.3149C>G (p.Ala1050Gly)

Gene: KIF1B (kinesin family member 1B; plus strand). Cytogenetic location: 1p36.22.
Variant type: single nucleotide variant.
Coding change: c.3149C>G on transcript NM_001365951.3 (MANE Select); coding-DNA position 3149, C replaced by G.
Protein change: p.Ala1050Gly; replaces alanine 1050 with glycine.
Molecular consequence: missense variant.
Genome position (GRCh38, 1-based): chr1:10,337,093, C>G. VCF-style: chr1-10337093-C-G. GRCh37 (hg19) VCF-style: chr1-10397151-C-G.
Other names: c.3149C>G, p.Ala1050Gly (NM_001365952.1); c.3011C>G, p.Ala1004Gly (NM_015074.3); short protein forms A1050G, A1004G.
Identifiers: ClinVar variation 3288485 (VCV003288485.1).
Genomic context (GRCh38, chr1:10,337,093, plus strand): 5'-TATACTACTTTACCATGTATCTGCCCCTGCCTTTTTTTCAGAGTGACTTTTCGTCTGTTG[C>G]AATGACTCGTTCTGGTCTGTCCTTGGAGGAGTTGAGGATTGTGGAAGGACAGGGTCAGAG-3'
Protein context (NP_001352880.1, residues 1040-1060): YFNQSDFSSV[Ala1050Gly]MTRSGLSLEE